The following is an entry in ClinVar:

ClinVar aggregate classification (germline): Uncertain significance (1 of 4 stars; one submission).

Submission:

Labcorp Genetics (formerly Invitae), Labcorp
Classification: Uncertain significance. Last evaluated: 2022-08-19. Review status: criteria provided, single submitter. Criteria: Invitae Variant Classification Sherloc (09022015). Collection method: clinical testing. Allele origin: germline.
Comment: This sequence change replaces serine, which is neutral and polar, with cysteine, which is neutral and slightly polar, at codon 1637 of the TRRAP protein (p.Ser1637Cys). This variant is not present in population databases (gnomAD no frequency). This variant has not been reported in the literature in individuals affected with TRRAP-related conditions. Algorithms developed to predict the effect of missense changes on protein structure and function (SIFT, PolyPhen-2, Align-GVGD) all suggest that this variant is likely to be tolerated. In summary, the available evidence is currently insufficient to determine the role of this variant in disease. Therefore, it has been classified as a Variant of Uncertain Significance.

NM_001375524.1(TRRAP):c.4985C>G (p.Ser1662Cys)

Genes: TRRAP (transformation/transcription domain associated protein; plus strand), LOC126860121 (MED14-independent group 3 enhancer GRCh37_chr7:98547245-98548444; plus strand). Cytogenetic location: 7q22.1.
Variant type: single nucleotide variant.
Coding change: c.4985C>G on transcript NM_001375524.1 (MANE Select); coding-DNA position 4985, C replaced by G.
Protein change: p.Ser1662Cys; replaces serine 1662 with cysteine.
Molecular consequence: missense variant.
Genome position (GRCh38, 1-based): chr7:98,949,691, C>G. VCF-style: chr7-98949691-C-G. GRCh37 (hg19) VCF-style: chr7-98547314-C-G.
Other names: c.4964C>G, p.Ser1655Cys (NM_001244580.2); c.4910C>G, p.Ser1637Cys (NM_003496.4); short protein forms S1637C, S1655C, S1662C.
Identifiers: ClinVar variation 1716891 (VCV001716891.6), dbSNP rs2484852665, ClinGen allele CA368313759.